The following is an entry in ClinVar:

NM_002693.3(POLG):c.1097G>A (p.Gly366Glu)

Gene: POLG (DNA polymerase gamma, catalytic subunit; minus strand). Cytogenetic location: 15q26.1.
Variant type: single nucleotide variant.
Coding change: c.1097G>A on transcript NM_002693.3 (MANE Select); coding-DNA position 1097, G replaced by A.
Protein change: p.Gly366Glu; replaces glycine 366 with glutamic acid.
Molecular consequence: missense variant.
Genome position (GRCh38, 1-based): chr15:89,328,758, C>T on the plus strand (G>A on the coding strand, the complement: POLG is on the minus strand). VCF-style: chr15-89328758-C-T. GRCh37 (hg19) VCF-style: chr15-89871989-C-T.
Other names: c.1097G>A, p.Gly366Glu (NM_001126131.2); short protein forms G366E.
Identifiers: ClinVar variation 2143893 (VCV002143893.4), dbSNP rs757315161, ClinGen allele CA393764904.

ClinVar aggregate classification (germline): Uncertain significance (1 of 4 stars; one submission).

Conditions:
Progressive sclerosing poliodystrophy (MTDPS4A). Also called: Mitochondrial DNA depletion syndrome 4A (Alpers type); Alpers Syndrome; ALPERS DIFFUSE DEGENERATION OF CEREBRAL GRAY MATTER WITH HEPATIC CIRRHOSIS; Alpers-Huttenlocher Syndrome; ALPERS PROGRESSIVE INFANTILE POLIODYSTROPHY; NEURONAL DEGENERATION OF CHILDHOOD WITH LIVER DISEASE, PROGRESSIVE. Identifiers: Orphanet 726, MedGen C0205710, MONDO:0008758, OMIM 203700.

Submission:

Labcorp Genetics (formerly Invitae), Labcorp
Classification: Uncertain significance for Progressive sclerosing poliodystrophy. Last evaluated: 2022-08-25. Review status: criteria provided, single submitter. Criteria: Invitae Variant Classification Sherloc (09022015). Collection method: clinical testing. Allele origin: germline.
Comment: In summary, the available evidence is currently insufficient to determine the role of this variant in disease. Therefore, it has been classified as a Variant of Uncertain Significance. Advanced modeling of protein sequence and biophysical properties (such as structural, functional, and spatial information, amino acid conservation, physicochemical variation, residue mobility, and thermodynamic stability) performed at Invitae indicates that this missense variant is expected to disrupt POLG protein function. This variant has not been reported in the literature in individuals affected with POLG-related conditions. This sequence change replaces glycine, which is neutral and non-polar, with glutamic acid, which is acidic and polar, at codon 366 of the POLG protein (p.Gly366Glu). This variant is not present in population databases (gnomAD no frequency).